The following is an entry in ClinVar:

ClinVar aggregate classification (germline): Uncertain significance. Review status: criteria provided, multiple submitters, no conflicts (2 of 4 stars). 2 submissions from 2 submitters: Uncertain significance (2). Last evaluated 2025-05-07.

Conditions:
Inborn genetic diseases. Identifiers: MedGen C0950123, MeSH D030342.
Baller-Gerold syndrome (BGS). Also called: CRANIOSYNOSTOSIS WITH RADIAL DEFECTS. Identifiers: Orphanet 1225, MedGen C0265308, MONDO:0009039, OMIM 218600.

Allele frequency attached by ClinVar (database versions not stated): gnomAD below 0.00001 and 0.00001; gnomAD exomes 0.00007; ExAC 0.00090.
gnomAD v4.1: 13 of 1,330,508 alleles (0.00098%); highest among the groups gnomAD compares: South Asian, 0.022%; 1 homozygote.

Submissions (2):

Ambry Genetics
Classification: Uncertain significance for Inborn genetic diseases. Last evaluated: 2025-05-07. Review status: criteria provided, single submitter. Criteria: Ambry Variant Classification Scheme 2023. Collection method: clinical testing. Allele origin: germline.
Comment: The p.A13S variant (also known as c.37G>T), located in coding exon 1 of the RECQL4 gene, results from a G to T substitution at nucleotide position 37. The alanine at codon 13 is replaced by serine, an amino acid with similar properties. This amino acid position is conserved. In addition, this alteration is predicted to be tolerated by in silico analysis. Based on the available evidence, the clinical significance of this variant remains unclear.

Labcorp Genetics (formerly Invitae), Labcorp
Classification: Uncertain significance for Baller-Gerold syndrome. Last evaluated: 2022-01-23. Review status: criteria provided, single submitter. Criteria: Invitae Variant Classification Sherloc (09022015). Collection method: clinical testing. Allele origin: germline.
Comment: In summary, the available evidence is currently insufficient to determine the role of this variant in disease. Therefore, it has been classified as a Variant of Uncertain Significance. ClinVar contains an entry for this variant (Variation ID: 528960). This variant has not been reported in the literature in individuals affected with RECQL4-related conditions. The frequency data for this variant in the population databases is considered unreliable, as metrics indicate poor data quality at this position in the gnomAD database. This sequence change replaces alanine, which is neutral and non-polar, with serine, which is neutral and polar, at codon 13 of the RECQL4 protein (p.Ala13Ser).

NM_004260.4(RECQL4):c.37G>T (p.Ala13Ser)

Genes: RECQL4 (RecQ like helicase 4; minus strand), LOC130001411 (ATAC-STARR-seq lymphoblastoid silent region 19699; plus strand). Cytogenetic location: 8q24.3.
Variant type: single nucleotide variant.
Coding change: c.37G>T on transcript NM_004260.4 (MANE Select); coding-DNA position 37, G replaced by T.
Protein change: p.Ala13Ser; replaces alanine 13 with serine.
Molecular consequence: missense variant.
Genome position (GRCh38, 1-based): chr8:144,517,748, C>A on the plus strand (G>T on the coding strand, the complement: RECQL4 is on the minus strand). VCF-style: chr8-144517748-C-A. GRCh37 (hg19) VCF-style: chr8-145743132-C-A.
Other names: short protein forms A13S.
Identifiers: ClinVar variation 528960 (VCV000528960.7), dbSNP rs747356389, ClinGen allele CA4949512.
Genomic context (GRCh38, chr8:144,517,748, plus strand): 5'-GGGCAGCCCGCACCTGGCTCGGTCGCCGCCCGCGCTGCCGTCGGAACGCGCGCTCCCACG[C>A]CTGCAGCCGCTCCCGCACGTCCCGCAGCCGCTCCATGGCGCGCGCGCCCGCCCGGCCTCC-3'
Protein context (NP_004251.4, residues 3-23): RLRDVRERLQ[Ala13Ser]WERAFRRQRG